The following is an entry in ClinVar:

ClinVar aggregate classification (germline): Benign/Likely benign. Review status: criteria provided, multiple submitters, no conflicts (2 of 4 stars). 4 submissions from 4 submitters: Benign (3); Likely benign (1). Last evaluated 2026-09-01.

Conditions:
Inborn genetic diseases. Identifiers: MedGen C0950123, MeSH D030342.

Allele frequency attached by ClinVar (database versions not stated): 1000 Genomes Project 30x 0.00016; gnomAD exomes 0.00018 and 0.00082; 1000 Genomes Project 0.00020; gnomAD 0.00021; TOPMed 0.00049; ExAC 0.00063.
gnomAD v4.1: 295 of 1,614,206 alleles (0.018%); highest among the groups gnomAD compares: Admixed American, 0.47%; 2 homozygotes.

Submissions (4):

CeGaT Center for Human Genetics Tuebingen
Classification: Likely benign. Last evaluated: 2026-09-01. Review status: criteria provided, single submitter. Criteria: CeGaT Center For Human Genetics Tuebingen Variant Classification Criteria Version 2. Collection method: clinical testing. Allele origin: germline. Affected: yes. Observed: 2 variant alleles.
Comment: SON: BP4, BS1

Labcorp Genetics (formerly Invitae), Labcorp
Classification: Benign. Last evaluated: 2026-02-03. Review status: criteria provided, single submitter. Criteria: Invitae Variant Classification Sherloc (09022015). Collection method: clinical testing. Allele origin: germline.

Ambry Genetics
Classification: Benign for Inborn genetic diseases. Last evaluated: 2022-11-09. Review status: criteria provided, single submitter. Criteria: Ambry Variant Classification Scheme 2023. Collection method: clinical testing. Allele origin: germline.

Breakthrough Genomics
Classification: Benign. Review status: criteria provided, single submitter. Criteria: ACMG Guidelines, 2015. Collection method: not provided. Allele origin: germline. Inheritance: Autosomal dominant inheritance. Affected: yes.

NM_138927.4(SON):c.3908C>T (p.Pro1303Leu)

Gene: SON (SON DNA and RNA binding protein; plus strand). Cytogenetic location: 21q22.11.
Variant type: single nucleotide variant.
Coding change: c.3908C>T on transcript NM_138927.4 (MANE Select); coding-DNA position 3908, C replaced by T.
Protein change: p.Pro1303Leu; replaces proline 1303 with leucine.
Molecular consequence: missense variant. On other transcripts: non-coding transcript variant (1), intron variant (1).
Genome position (GRCh38, 1-based): chr21:33,553,139, C>T. VCF-style: chr21-33553139-C-T. GRCh37 (hg19) VCF-style: chr21-34925445-C-T.
Other names: c.3908C>T, p.Pro1303Leu (NM_001291411.2, NM_032195.3); c.245-4017C>T (NM_001291412.3); c.3908C>T (NM_138927.1); short protein forms P1303L.
Identifiers: ClinVar variation 717338 (VCV000717338.17), dbSNP rs187335496, ClinGen allele CA10009394.